The following is an entry in ClinVar:

NM_024301.5(FKRP):c.413C>T (p.Pro138Leu)

Gene: FKRP (fukutin related protein; plus strand). Cytogenetic location: 19q13.32.
Variant type: single nucleotide variant.
Coding change: c.413C>T on transcript NM_024301.5 (MANE Select); coding-DNA position 413, C replaced by T.
Protein change: p.Pro138Leu; replaces proline 138 with leucine.
Molecular consequence: missense variant.
Genome position (GRCh38, 1-based): chr19:46,755,863, C>T. VCF-style: chr19-46755863-C-T. GRCh37 (hg19) VCF-style: chr19-47259120-C-T.
Other names: c.413C>T, p.Pro138Leu (NM_001039885.3); short protein forms P138L.
Identifiers: ClinVar variation 2188412 (VCV002188412.4), dbSNP rs1343433123, ClinGen allele CA406495278.

ClinVar aggregate classification (germline): Uncertain significance (1 of 4 stars; one submission).

Conditions:
Walker-Warburg congenital muscular dystrophy. Also called: Muscular dystrophy-dystroglycanopathy, type A; Walker-Warburg syndrome. Identifiers: Orphanet 899, MedGen C0265221, MONDO:0000171.

Allele frequency attached by ClinVar (database versions not stated): gnomAD exomes 0.00001.

Submission:

Labcorp Genetics (formerly Invitae), Labcorp
Classification: Uncertain significance for Walker-Warburg congenital muscular dystrophy. Last evaluated: 2023-10-03. Review status: criteria provided, single submitter. Criteria: Invitae Variant Classification Sherloc (09022015). Collection method: clinical testing. Allele origin: germline.
Comment: This sequence change replaces proline, which is neutral and non-polar, with leucine, which is neutral and non-polar, at codon 138 of the FKRP protein (p.Pro138Leu). This variant is not present in population databases (gnomAD no frequency). This variant has not been reported in the literature in individuals affected with FKRP-related conditions. ClinVar contains an entry for this variant (Variation ID: 2188412). Advanced modeling of protein sequence and biophysical properties (such as structural, functional, and spatial information, amino acid conservation, physicochemical variation, residue mobility, and thermodynamic stability) has been performed at Invitae for this missense variant, however the output from this modeling did not meet the statistical confidence thresholds required to predict the impact of this variant on FKRP protein function. In summary, the available evidence is currently insufficient to determine the role of this variant in disease. Therefore, it has been classified as a Variant of Uncertain Significance.